The following is an entry in ClinVar:

ClinVar aggregate classification (germline): Uncertain significance (1 of 4 stars; one submission).

Allele frequency attached by ClinVar (database versions not stated): gnomAD exomes below 0.00001; gnomAD 0.00001.
gnomAD v4.1: 2 of 1,612,874 alleles (0.00012%); highest among the groups gnomAD compares: African/African-American, 0.0013%; no homozygotes.

Submission:

Labcorp Genetics (formerly Invitae), Labcorp
Classification: Uncertain significance. Last evaluated: 2022-08-08. Review status: criteria provided, single submitter. Criteria: Invitae Variant Classification Sherloc (09022015). Collection method: clinical testing. Allele origin: germline.
Comment: This sequence change replaces proline, which is neutral and non-polar, with leucine, which is neutral and non-polar, at codon 782 of the WFS1 protein (p.Pro782Leu). In summary, the available evidence is currently insufficient to determine the role of this variant in disease. Therefore, it has been classified as a Variant of Uncertain Significance. Advanced modeling of protein sequence and biophysical properties (such as structural, functional, and spatial information, amino acid conservation, physicochemical variation, residue mobility, and thermodynamic stability) performed at Invitae indicates that this missense variant is not expected to disrupt WFS1 protein function. This variant has not been reported in the literature in individuals affected with WFS1-related conditions. This variant is present in population databases (no rsID available, gnomAD 0.01%).

NM_006005.3(WFS1):c.2345C>T (p.Pro782Leu)

Gene: WFS1 (wolframin ER transmembrane glycoprotein; plus strand). Cytogenetic location: 4p16.1.
Variant type: single nucleotide variant.
Coding change: c.2345C>T on transcript NM_006005.3 (MANE Select); coding-DNA position 2345, C replaced by T.
Protein change: p.Pro782Leu; replaces proline 782 with leucine.
Molecular consequence: missense variant.
Genome position (GRCh38, 1-based): chr4:6,302,140, C>T. VCF-style: chr4-6302140-C-T. GRCh37 (hg19) VCF-style: chr4-6303867-C-T.
Other names: c.2345C>T, p.Pro782Leu (NM_001145853.1); short protein forms P782L.
Identifiers: ClinVar variation 1996824 (VCV001996824.4), dbSNP rs1190345260, ClinGen allele CA356178408.